The following is an entry in ClinVar:

NM_006180.6(NTRK2):c.2367G>A (p.Gln789=)

Gene: NTRK2 (neurotrophic receptor tyrosine kinase 2; plus strand). Cytogenetic location: 9q21.33.
Variant type: single nucleotide variant.
Coding change: c.2367G>A on transcript NM_006180.6 (MANE Select); coding-DNA position 2367, G replaced by A.
Protein change: p.Gln789=; no amino-acid change (glutamine 789 retained).
Molecular consequence: synonymous variant.
Genome position (GRCh38, 1-based): chr9:85,021,287, G>A. VCF-style: chr9-85021287-G-A. GRCh37 (hg19) VCF-style: chr9-87636202-G-A.
Other names: c.2367G>A (NM_006180.4); c.2319G>A, p.Gln773= (NM_001018064.3, NM_001369532.1, NM_001369533.1); c.2283G>A, p.Gln761= (NM_001369534.1); c.1851G>A, p.Gln617= (NM_001369535.1); c.1899G>A, p.Gln633= (NM_001369536.1); c.2367G>A, p.Gln789= (NM_001381928.1).
Identifiers: ClinVar variation 2785452 (VCV002785452.4), dbSNP rs1371825190, ClinGen allele CA465895056.

ClinVar aggregate classification (germline): Likely benign. Review status: criteria provided, single submitter (1 of 4 stars). 2 submissions from 2 submitters: Likely benign (1). 1 of the submissions does not count toward it. Last evaluated 2023-04-25.

Conditions:
NTRK2-related disorder. Also called: NTRK2-related condition.

Allele frequency attached by ClinVar (database versions not stated): gnomAD 0.00001.
gnomAD v4.1: 1 of 1,613,978 alleles (0.000062%); highest among the groups gnomAD compares: African/African-American, 0.0013%; no homozygotes.

Submissions (2):

Labcorp Genetics (formerly Invitae), Labcorp
Classification: Likely benign. Last evaluated: 2023-04-25. Review status: criteria provided, single submitter. Criteria: Invitae Variant Classification Sherloc (09022015). Collection method: clinical testing. Allele origin: germline.

PreventionGenetics, part of Exact Sciences
Classification: Likely benign for NTRK2-related condition. Last evaluated: 2023-10-18. Review status: no assertion criteria provided. Collection method: clinical testing. Allele origin: germline. Not counted in ClinVar's aggregate classification.
Comment: This variant is classified as likely benign based on ACMG/AMP sequence variant interpretation guidelines (Richards et al. 2015 PMID: 25741868, with internal and published modifications).